The following is an entry in ClinVar:

NM_000492.4(CFTR):c.2049_2052del (p.Lys683fs)

Gene: CFTR (CF transmembrane conductance regulator; plus strand). Cytogenetic location: 7q31.2.
Variant type: Deletion.
Coding change: c.2049_2052del on transcript NM_000492.4 (MANE Select); coding-DNA positions 2049 to 2052, 4 bases deleted (AAAA; older notation c.2049_2052delAAAA).
Protein change: p.Lys683fs; shifts the reading frame from lysine 683.
Molecular consequence: frameshift variant.
Genome position (GRCh38, 1-based): chr7:117,592,216-117,592,219, AAAA deleted; deleting any 4 consecutive bases within chr7:117,592,213-117,592,219 gives the same sequence; the c. name uses the placement nearest the transcript's 3' end. VCF-style (leftmost placement, unchanged base first): chr7-117592212-CAAAA-C. GRCh37 (hg19) VCF-style: chr7-117232266-CAAAA-C.
Other names: short protein forms K683fs.
Identifiers: ClinVar variation 1330010 (VCV001330010.1), dbSNP rs121908746, ClinGen allele CA2573052803.
Genomic context (GRCh38, chr7:117,592,212, plus strand): 5'-TAACTGAGACCTTACACCGTTTCTCATTAGAAGGAGATGCTCCTGTCTCCTGGACAGAAA[CAAAA>C]AAACAATCTTTTAAACAGACTGGAGAGTTTGGGGAAAAAAGGAAGAATTCTATTCTCAAT-3'

ClinVar aggregate classification (germline): Likely pathogenic (1 of 4 stars; one submission).

Submission:

Quest Diagnostics Nichols Institute San Juan Capistrano
Classification: Likely pathogenic. Last evaluated: 2020-10-08. Review status: criteria provided, single submitter. Criteria: Quest Diagnostics criteria. Collection method: clinical testing. Allele origin: unknown.
Comment: This frameshift variant alters the translational reading frame of the CFTR mRNA and is predicted to cause the premature termination of CFTR protein synthesis. To the best of our knowledge, the variant has not been reported in the published literature. This variant has not been reported in large, multi-ethnic general populations. Based on the available information, the variant is predicted to be likely pathogenic.